The following is an entry in ClinVar:

ClinVar aggregate classification (germline): Likely benign (1 of 4 stars; one submission).

Submission:

CeGaT Center for Human Genetics Tuebingen
Classification: Likely benign. Last evaluated: 2026-05-01. Review status: criteria provided, single submitter. Criteria: CeGaT Center For Human Genetics Tuebingen Variant Classification Criteria Version 2. Collection method: clinical testing. Allele origin: germline. Affected: yes. Observed: 1 variant allele.
Comment: ONECUT3: PM2:Supporting, BP4, BP7

NM_001080488.2(ONECUT3):c.225C>T (p.Gly75=)

Gene: ONECUT3 (one cut homeobox 3; plus strand). Cytogenetic location: 19p13.3.
Variant type: single nucleotide variant.
Coding change: c.225C>T on transcript NM_001080488.2 (MANE Select); coding-DNA position 225, C replaced by T.
Protein change: p.Gly75=; no amino-acid change (glycine 75 retained).
Molecular consequence: synonymous variant.
Genome position (GRCh38, 1-based): chr19:1,753,887, C>T. VCF-style: chr19-1753887-C-T. GRCh37 (hg19) VCF-style: chr19-1753886-C-T.
Identifiers: ClinVar variation 4873844 (VCV004873844.2).